The following is an entry in ClinVar:

ClinVar aggregate classification (germline): Uncertain significance. Review status: criteria provided, multiple submitters, no conflicts (2 of 4 stars). 3 submissions from 3 submitters: Uncertain significance (3). Last evaluated 2025-09-03.

Conditions:
Gorlin syndrome. Also called: Nevoid Basal Cell Carcinoma Syndrome; Basal cell nevus syndrome. Identifiers: Orphanet 377, MedGen C0004779, MONDO:0007187.
Medulloblastoma (MDB). Also called: Medulloblastoma, somatic; MEDULLOBLASTOMA PREDISPOSITION SYNDROME. Identifiers: Orphanet 616, MedGen C0025149, MeSH D008527, MONDO:0007959, OMIM 155255, HP:0002885.
Hereditary cancer-predisposing syndrome. Also called: Tumor predisposition; Hereditary neoplastic syndrome; Neoplastic Syndromes, Hereditary; Hereditary Cancer Syndrome. Identifiers: Orphanet 140162, MedGen C0027672, MeSH D009386, MONDO:0015356.

Allele frequency attached by ClinVar (database versions not stated): gnomAD exomes 0.00001; TOPMed 0.00001.
gnomAD v4.1: 8 of 1,581,274 alleles (0.00051%); highest among the groups gnomAD compares: Non-Finnish European, 0.00069%; no homozygotes.

Submissions (3):

Labcorp Genetics (formerly Invitae), Labcorp
Classification: Uncertain significance for Gorlin syndrome; Medulloblastoma. Last evaluated: 2025-09-03. Review status: criteria provided, single submitter. Criteria: Invitae Variant Classification Sherloc (09022015). Collection method: clinical testing. Allele origin: germline.
Comment: This sequence change replaces proline, which is neutral and non-polar, with threonine, which is neutral and polar, at codon 16 of the SUFU protein (p.Pro16Thr). This variant is not present in population databases (gnomAD no frequency). This variant has not been reported in the literature in individuals affected with SUFU-related conditions. ClinVar contains an entry for this variant (Variation ID: 940909). An algorithm developed to predict the effect of missense changes on protein structure and function (PolyPhen-2) suggests that this variant is likely to be disruptive. In summary, the available evidence is currently insufficient to determine the role of this variant in disease. Therefore, it has been classified as a Variant of Uncertain Significance.

Ambry Genetics
Classification: Uncertain significance for Hereditary cancer-predisposing syndrome. Last evaluated: 2024-03-16. Review status: criteria provided, single submitter. Criteria: Ambry Variant Classification Scheme 2023. Collection method: clinical testing. Allele origin: germline.
Comment: The p.P16T variant (also known as c.46C>A), located in coding exon 1 of the SUFU gene, results from a C to A substitution at nucleotide position 46. The proline at codon 16 is replaced by threonine, an amino acid with highly similar properties. This amino acid position is conserved. In addition, the in silico prediction for this alteration is inconclusive. Since supporting evidence is limited at this time, the clinical significance of this alteration remains unclear.

GeneDx
Classification: Uncertain significance. Last evaluated: 2024-02-02. Review status: criteria provided, single submitter. Criteria: GeneDx Variant Classification Process June 2021. Collection method: clinical testing. Allele origin: germline. Affected: yes.
Comment: Not observed at significant frequency in large population cohorts (gnomAD); In silico analysis supports that this missense variant does not alter protein structure/function; Has not been previously published as pathogenic or benign to our knowledge

NM_016169.4(SUFU):c.46C>A (p.Pro16Thr)

Genes: SUFU (SUFU negative regulator of hedgehog signaling; plus strand), LOC130004614 (ATAC-STARR-seq lymphoblastoid silent region 2764; plus strand). Cytogenetic location: 10q24.32.
Variant type: single nucleotide variant.
Coding change: c.46C>A on transcript NM_016169.4 (MANE Select); coding-DNA position 46, C replaced by A.
Protein change: p.Pro16Thr; replaces proline 16 with threonine.
Molecular consequence: missense variant.
Genome position (GRCh38, 1-based): chr10:102,504,198, C>A. VCF-style: chr10-102504198-C-A. GRCh37 (hg19) VCF-style: chr10-104263955-C-A.
Other names: c.46C>A, p.Pro16Thr (NM_001178133.2); short protein forms P16T.
Identifiers: ClinVar variation 940909 (VCV000940909.15), dbSNP rs978312925, ClinGen allele CA212238099.